The following is an entry in ClinVar:

NM_005732.4(RAD50):c.1050G>C (p.Gln350His)

Gene: RAD50 (RAD50 double strand break repair protein; plus strand). Cytogenetic location: 5q31.1.
Variant type: single nucleotide variant.
Coding change: c.1050G>C on transcript NM_005732.4 (MANE Select); coding-DNA position 1050, G replaced by C.
Protein change: p.Gln350His; replaces glutamine 350 with histidine.
Molecular consequence: missense variant.
Genome position (GRCh38, 1-based): chr5:132,588,088, G>C. VCF-style: chr5-132588088-G-C. GRCh37 (hg19) VCF-style: chr5-131923780-G-C.
Other names: short protein forms Q350H.
Identifiers: ClinVar variation 1777074 (VCV001777074.3), dbSNP rs1426014804, ClinGen allele CA360941746.
Genomic context (GRCh38, chr5:132,588,088, plus strand): 5'-AAAACTAAATAAAGAATCTAGGCTTCTCAATCAGGAAAAATCAGAACTGCTTGTTGAACA[G>C]GGTAGGACAAAATGTTTATTTGGTCGTTTTTCCTACTATGATGTTATACATTTTCTGTAT-3'
Protein context (NP_005723.2, residues 340-360): NQEKSELLVE[Gln350His]GRLQLQADRH

ClinVar aggregate classification (germline): Uncertain significance (1 of 4 stars; one submission).

Conditions:
Hereditary cancer-predisposing syndrome. Also called: Neoplastic Syndromes, Hereditary; Tumor predisposition; Hereditary Cancer Syndrome; Hereditary neoplastic syndrome. Identifiers: Orphanet 140162, MedGen C0027672, MeSH D009386, MONDO:0015356.

Allele frequency attached by ClinVar (database versions not stated): TOPMed below 0.00001; gnomAD 0.00001.
gnomAD v4.1: 1 of 1,609,564 alleles (0.000062%); highest among the groups gnomAD compares: East Asian, 0.0022%; no homozygotes.

Submission:

Ambry Genetics
Classification: Uncertain significance for Hereditary cancer-predisposing syndrome. Last evaluated: 2024-08-18. Review status: criteria provided, single submitter. Criteria: Ambry Variant Classification Scheme 2023. Collection method: clinical testing. Allele origin: germline.
Comment: The p.Q350H variant (also known as c.1050G>C), located in coding exon 7 of the RAD50 gene, results from a G to C substitution at nucleotide position 1050. The glutamine at codon 350 is replaced by histidine, an amino acid with highly similar properties. This amino acid position is conserved. In addition, this alteration is predicted to be tolerated by in silico analysis. Since supporting evidence is limited at this time, the clinical significance of this alteration remains unclear.